The following is an entry in ClinVar:

NM_144643.4(SCLT1):c.473T>C (p.Leu158Ser)

Gene: SCLT1 (sodium channel and clathrin linker 1; minus strand). Cytogenetic location: 4q28.2.
Variant type: single nucleotide variant.
Coding change: c.473T>C on transcript NM_144643.4 (MANE Select); coding-DNA position 473, T replaced by C.
Protein change: p.Leu158Ser; replaces leucine 158 with serine.
Molecular consequence: missense variant.
Genome position (GRCh38, 1-based): chr4:128,999,748, A>G on the plus strand (T>C on the coding strand, the complement: SCLT1 is on the minus strand). VCF-style: chr4-128999748-A-G. GRCh37 (hg19) VCF-style: chr4-129920903-A-G.
Other names: short protein forms L158S.
Identifiers: ClinVar variation 1485958 (VCV001485958.6), dbSNP rs1743306219, ClinGen allele CA358189922.

ClinVar aggregate classification (germline): Uncertain significance (1 of 4 stars; one submission).

Allele frequency attached by ClinVar (database versions not stated): TOPMed 0.00002.

Submission:

Labcorp Genetics (formerly Invitae), Labcorp
Classification: Uncertain significance. Last evaluated: 2022-06-05. Review status: criteria provided, single submitter. Criteria: Invitae Variant Classification Sherloc (09022015). Collection method: clinical testing. Allele origin: germline.
Comment: This sequence change replaces leucine, which is neutral and non-polar, with serine, which is neutral and polar, at codon 158 of the SCLT1 protein (p.Leu158Ser). This variant is not present in population databases (gnomAD no frequency). This variant has not been reported in the literature in individuals affected with SCLT1-related conditions. ClinVar contains an entry for this variant (Variation ID: 1485958). Algorithms developed to predict the effect of missense changes on protein structure and function (SIFT, PolyPhen-2, Align-GVGD) all suggest that this variant is likely to be disruptive. In summary, the available evidence is currently insufficient to determine the role of this variant in disease. Therefore, it has been classified as a Variant of Uncertain Significance.